The following is an entry in ClinVar:

NM_001009944.3(PKD1):c.5437G>A (p.Gly1813Arg)

Gene: PKD1 (polycystin 1, transient receptor potential channel interacting; minus strand). Cytogenetic location: 16p13.3.
Variant type: single nucleotide variant.
Coding change: c.5437G>A on transcript NM_001009944.3 (MANE Select); coding-DNA position 5437, G replaced by A.
Protein change: p.Gly1813Arg; replaces glycine 1813 with arginine.
Molecular consequence: missense variant.
Genome position (GRCh38, 1-based): chr16:2,109,730, C>T on the plus strand (G>A on the coding strand, the complement: PKD1 is on the minus strand). VCF-style: chr16-2109730-C-T. GRCh37 (hg19) VCF-style: chr16-2159731-C-T.
Other names: p.Gly1813Arg; c.5437G>A (NM_000296.3); c.5437G>A, p.Gly1813Arg (NM_000296.4); short protein forms G1813R.
Identifiers: ClinVar variation 3383497 (VCV003383497.3).

ClinVar aggregate classification (germline): Uncertain significance. Review status: criteria provided, multiple submitters, no conflicts (2 of 4 stars). 3 submissions from 3 submitters: Uncertain significance (3). Last evaluated 2025-04-22.

Conditions:
Inborn genetic diseases. Identifiers: MedGen C0950123, MeSH D030342.

gnomAD v4.1: 40 of 1,607,660 alleles (0.0025%); highest among the groups gnomAD compares: Middle Eastern, 0.022%; no homozygotes.

Submissions (3):

Mayo Clinic Laboratories, Mayo Clinic
Classification: Uncertain significance. Last evaluated: 2025-04-22. Review status: criteria provided, single submitter. Criteria: ACMG Guidelines, 2015. Collection method: clinical testing. Allele origin: germline. Observed: 2 variant alleles.
Comment: BP4_moderate

Ambry Genetics
Classification: Uncertain significance for Inborn genetic diseases. Last evaluated: 2024-07-14. Review status: criteria provided, single submitter. Criteria: Ambry Variant Classification Scheme 2023. Collection method: clinical testing. Allele origin: germline.

GeneDx
Classification: Uncertain significance. Last evaluated: 2024-05-29. Review status: criteria provided, single submitter. Criteria: GeneDx Variant Classification Process June 2021. Collection method: clinical testing. Allele origin: germline. Affected: yes.
Comment: In silico analysis indicates that this missense variant does not alter protein structure/function; Has not been previously published as pathogenic or benign to our knowledge